The following is an entry in ClinVar:

NM_015512.5(DNAH1):c.10784C>T (p.Ser3595Leu)

Gene: DNAH1 (dynein axonemal heavy chain 1; plus strand). Cytogenetic location: 3p21.1.
Variant type: single nucleotide variant.
Coding change: c.10784C>T on transcript NM_015512.5 (MANE Select); coding-DNA position 10784, C replaced by T.
Protein change: p.Ser3595Leu; replaces serine 3595 with leucine.
Molecular consequence: missense variant.
Genome position (GRCh38, 1-based): chr3:52,394,622, C>T. VCF-style: chr3-52394622-C-T. GRCh37 (hg19) VCF-style: chr3-52428638-C-T.
Other names: short protein forms S3595L.
Identifiers: ClinVar variation 1398701 (VCV001398701.8), dbSNP rs1704536648, ClinGen allele CA353205931.
Genomic context (GRCh38, chr3:52,394,622, plus strand): 5'-TAGCACTCTCGAACCTGCCAACCTTTTCCTCCTTCTCTTCCGACTTCGTGAAGCACCTCT[C>T]AGAATTCCGGGTCATCTTCGACAGCCTTGAGCCCCACCGGTTAGCTGGGCCCCAGAATAT-3'
Protein context (NP_056327.4, residues 3585-3605): SFSSDFVKHL[Ser3595Leu]EFRVIFDSLE

ClinVar aggregate classification (germline): Uncertain significance (1 of 4 stars; one submission).

Conditions:
Spermatogenic failure 18. Identifiers: MedGen C4539783, MONDO:0054615, OMIM 617576.
Ciliary dyskinesia, primary, 37 (CILD37). Also called: CILIARY DYSKINESIA, PRIMARY, 37, WITH OR WITHOUT SITUS INVERSUS. Identifiers: MedGen C4539798, MONDO:0033204, OMIM 617577.

Allele frequency attached by ClinVar (database versions not stated): gnomAD exomes below 0.00001; TOPMed below 0.00001.
gnomAD v4.1: 2 of 1,595,220 alleles (0.00013%); highest among the groups gnomAD compares: Non-Finnish European, 0.000086%; no homozygotes.

Submission:

Labcorp Genetics (formerly Invitae), Labcorp
Classification: Uncertain significance for Ciliary dyskinesia, primary, 37; Spermatogenic failure 18. Last evaluated: 2021-06-01. Review status: criteria provided, single submitter. Criteria: Invitae Variant Classification Sherloc (09022015). Collection method: clinical testing. Allele origin: germline.
Comment: This sequence change replaces serine with leucine at codon 3595 of the DNAH1 protein (p.Ser3595Leu). The serine residue is moderately conserved and there is a large physicochemical difference between serine and leucine. In summary, the available evidence is currently insufficient to determine the role of this variant in disease. Therefore, it has been classified as a Variant of Uncertain Significance. Algorithms developed to predict the effect of missense changes on protein structure and function (SIFT, PolyPhen-2, Align-GVGD) all suggest that this variant is likely to be tolerated, but these predictions have not been confirmed by published functional studies and their clinical significance is uncertain. This variant has not been reported in the literature in individuals with DNAH1-related conditions. This variant is not present in population databases (ExAC no frequency).